The following is an entry in ClinVar:

ClinVar aggregate classification (germline): Conflicting classifications of pathogenicity. Review status: criteria provided, conflicting classifications (1 of 4 stars). 2 submissions from 2 submitters: Pathogenic (1); Uncertain significance (1). Last evaluated 2022-04-06.

Conditions:
Multiple endocrine neoplasia, type 1 (MEN1). Also called: Endocrine adenomatosis multiple; MEN 1; MEN I; WERMER SYNDROME; MEA I. Identifiers: Orphanet 652, MedGen C0025267, MeSH D018761, MONDO:0007540, OMIM 131100.

Submissions (2):

Labcorp Genetics (formerly Invitae), Labcorp
Classification: Pathogenic for Multiple endocrine neoplasia, type 1. Last evaluated: 2022-04-06. Review status: criteria provided, single submitter. Criteria: Invitae Variant Classification Sherloc (09022015). Collection method: clinical testing. Allele origin: germline.
Comment: For these reasons, this variant has been classified as Pathogenic. This variant disrupts the p.179 amino acid residue in MEN1. Other variant(s) that disrupt this residue have been observed in individuals with MEN1-related conditions (PMID: 9888389, 10849016, 11102994, 22470073), which suggests that this may be a clinically significant amino acid residue. Advanced modeling of protein sequence and biophysical properties (such as structural, functional, and spatial information, amino acid conservation, physicochemical variation, residue mobility, and thermodynamic stability) performed at Invitae indicates that this missense variant is expected to disrupt MEN1 protein function. ClinVar contains an entry for this variant (Variation ID: 451692). This variant is also known as p.Glu184Asp. This missense change has been observed in individuals with clinical features of MEN1 (PMID: 9888389; Invitae). It has also been observed to segregate with disease in related individuals. This variant is not present in population databases (gnomAD no frequency). This sequence change replaces glutamic acid, which is acidic and polar, with aspartic acid, which is acidic and polar, at codon 179 of the MEN1 protein (p.Glu179Asp).

GeneDx
Classification: Uncertain significance. Last evaluated: 2017-08-24. Review status: criteria provided, single submitter. Criteria: GeneDx Variant Classification (06012015). Collection method: clinical testing. Allele origin: germline. Affected: yes.
Comment: The E179D variant has not been published as a pathogenic variant, nor has it been reported as a benign variant to our knowledge. This variant is not observed in large population cohorts (Lek et al., 2016; 1000 Genomes Consortium et al., 2015; Exome Variant Server). The E179D variant is a conservative amino acid substitution, which is not likely to impact secondary protein structure as these residues share similar properties. This substitution occurs at a position that is conserved across species, and in silico analysis predicts this variant is probably damaging to the protein structure/function. An alternate nucleotide change leading to the same missense variant (c.537G>T) has been reported in association with multiple endocrine neoplasia type 1, supporting the functional importance of this region of the protein (Poncin et al., 1999). Based on the currently available information, it is unclear whether this variant is a pathogenic variant or a rare benign variant. We consider it to be a variant of uncertain significance.

Literature cited by the submitters: PubMed 9888389 (cited by Labcorp Genetics (formerly Invitae), Labcorp); PubMed 10849016 (cited by Labcorp Genetics (formerly Invitae), Labcorp); PubMed 11102994 (cited by Labcorp Genetics (formerly Invitae), Labcorp); PubMed 22470073 (cited by Labcorp Genetics (formerly Invitae), Labcorp).

NM_001370259.2(MEN1):c.537G>C (p.Glu179Asp)

Gene: MEN1 (menin 1; minus strand). Cytogenetic location: 11q13.1.
Variant type: single nucleotide variant.
Coding change: c.537G>C on transcript NM_001370259.2 (MANE Select); coding-DNA position 537, G replaced by C.
Protein change: p.Glu179Asp; replaces glutamic acid 179 with aspartic acid.
Molecular consequence: missense variant.
Genome position (GRCh38, 1-based): chr11:64,808,008, C>G on the plus strand (G>C on the coding strand, the complement: MEN1 is on the minus strand). VCF-style: chr11-64808008-C-G. GRCh37 (hg19) VCF-style: chr11-64575480-C-G.
Other names: c.552G>C, p.Glu184Asp (NM_000244.4, NM_130800.3, NM_130801.3 and 3 more transcripts); c.537G>C, p.Glu179Asp (NM_001370251.2, NM_001370260.2, NM_001370261.2 and 3 more transcripts); short protein forms E179D, E184D.
Identifiers: ClinVar variation 451692 (VCV000451692.11), dbSNP rs1555165811, ClinGen allele CA381185889.